The following is an entry in ClinVar:

NM_020247.5(COQ8A):c.901C>T (p.Arg301Trp)

Gene: COQ8A (coenzyme Q8A; plus strand). Cytogenetic location: 1q42.13.
Variant type: single nucleotide variant.
Coding change: c.901C>T on transcript NM_020247.5 (MANE Select); coding-DNA position 901, C replaced by T.
Protein change: p.Arg301Trp; replaces arginine 301 with tryptophan.
Molecular consequence: missense variant.
Genome position (GRCh38, 1-based): chr1:226,982,725, C>T. VCF-style: chr1-226982725-C-T. GRCh37 (hg19) VCF-style: chr1-227170426-C-T.
Other names: short protein forms R301W.
Identifiers: ClinVar variation 434087 (VCV000434087.15), dbSNP rs140246430, ClinGen allele CA1425209.
Genomic context (GRCh38, chr1:226,982,725, plus strand): 5'-TCCTGCCTTCCAGATGATGCCTTTATCAACCCCCACCTGGCTAAGATCTTCGAGCGGGTG[C>T]GGCAGAGCGCGGACTTCATGCCACTGAAGCAGATGATGGTGAGGAGCCAGGGGCTCTGCC-3'
Protein context (NP_064632.2, residues 291-311): PHLAKIFERV[Arg301Trp]QSADFMPLKQ

ClinVar aggregate classification (germline): Pathogenic/Likely pathogenic. Review status: criteria provided, multiple submitters, no conflicts (2 of 4 stars). 6 submissions from 6 submitters: Pathogenic (2); Likely pathogenic (4). Last evaluated 2025-11-13.

Conditions:
Inborn genetic diseases. Identifiers: MedGen C0950123, MeSH D030342.
Autosomal recessive ataxia due to ubiquinone deficiency. Also called: Coenzyme Q10 deficiency, primary, 4; SPINOCEREBELLAR ATAXIA, AUTOSOMAL RECESSIVE 9. Identifiers: Orphanet 139485, MedGen C2677589, MONDO:0012784, OMIM 612016.

Allele frequency attached by ClinVar (database versions not stated): gnomAD 0.00002; TOPMed 0.00002; ExAC 0.00003; gnomAD exomes 0.00003; ESP Exome Variant Server 0.00008.
gnomAD v4.1: 43 of 1,613,556 alleles (0.0027%); highest among the groups gnomAD compares: Non-Finnish European, 0.0032%; no homozygotes.

Submissions (6):

Variantyx, Inc.
Classification: Likely pathogenic for Autosomal recessive ataxia due to ubiquinone deficiency. Last evaluated: 2025-11-13. Review status: criteria provided, single submitter. Criteria: Variantyx Assertion Criteria 2022. Collection method: clinical testing. Allele origin: germline. Inheritance: Autosomal recessive inheritance. Affected: no.
Comment: This is a nonsynonymous variant in the COQ8A gene (OMIM: 606980). Pathogenic variants in this gene have been associated with autosomal recessive primary coenzyme Q10 deficiency 4. This variant has been reported in the homozygous or compound heterozygous state in several unrelated affected individuals (PMID: 29915382, 30637285, 31890231, 32337771) (PM3_Strong). Computational algorithms produce conflicting evidence regarding the predicted functional impact of this variant (REVEL score: 0.601), but functional studies have shown that this variant alters COQ8A protein function (PMID: 32337771) (PS3_Moderate). Morever, an alternate amino acid change at this position (p.Arg301Gln) has been previously reported in affected individuals (PMID: 32743982) (PM5). This variant has a 0.0032% maximum allele frequency in non-founder control populations (PM2). . Based on the current evidence, this variant is classified as likely pathogenic for autosomal recessive primary coenzyme Q10 deficiency 4.

Labcorp Genetics (formerly Invitae), Labcorp
Classification: Pathogenic. Last evaluated: 2024-10-22. Review status: criteria provided, single submitter. Criteria: Invitae Variant Classification Sherloc (09022015). Collection method: clinical testing. Allele origin: germline.
Comment: This sequence change replaces arginine, which is basic and polar, with tryptophan, which is neutral and slightly polar, at codon 301 of the COQ8A protein (p.Arg301Trp). This variant is present in population databases (rs140246430, gnomAD 0.005%). This missense change has been observed in individual(s) with clinical features of primary coenzyme Q10 deficiency (PMID: 29915382, 30637285, 31890231, 32337771). In at least one individual the data is consistent with being in trans (on the opposite chromosome) from a pathogenic variant. ClinVar contains an entry for this variant (Variation ID: 434087). Invitae Evidence Modeling of protein sequence and biophysical properties (such as structural, functional, and spatial information, amino acid conservation, physicochemical variation, residue mobility, and thermodynamic stability) has been performed for this missense variant. However, the output from this modeling did not meet the statistical confidence thresholds required to predict the impact of this variant on COQ8A protein function. Experimental studies have shown that this missense change affects COQ8A function (PMID: 32337771). For these reasons, this variant has been classified as Pathogenic.

Fulgent Genetics
Classification: Pathogenic for Autosomal recessive ataxia due to ubiquinone deficiency. Last evaluated: 2024-02-15. Review status: criteria provided, single submitter. Criteria: ACMG Guidelines, 2015. Collection method: clinical testing. Allele origin: germline.

Ambry Genetics
Classification: Likely pathogenic for Inborn genetic diseases. Last evaluated: 2022-09-17. Review status: criteria provided, single submitter. Criteria: Ambry Variant Classification Scheme 2023. Collection method: clinical testing. Allele origin: germline.
Comment: The c.901C>T (p.R301W) alteration is located in exon 7 (coding exon 6) of the COQ8A gene. This alteration results from a C to T substitution at nucleotide position 901, causing the arginine (R) at amino acid position 301 to be replaced by a tryptophan (W). Based on data from gnomAD, the T allele has an overall frequency of <0.01% (10/282150) total alleles studied. The highest observed frequency was 0.01% (8/128598) of European (non-Finnish) alleles. This variant has been detected in conjunction with a COQ8A pathogenic variant in multiple individuals with clinical features of COQ8-related conezyme Q10 deficiency (Galosi, 2019; Schirinzi, 2019). This amino acid position is highly conserved in available vertebrate species. The in silico prediction for this alteration is inconclusive. Based on the available evidence, this alteration is classified as likely pathogenic.

Revvity Omics, Revvity
Classification: Likely pathogenic for Autosomal recessive ataxia due to ubiquinone deficiency. Last evaluated: 2022-06-29. Review status: criteria provided, single submitter. Criteria: ACMG Guidelines, 2015. Collection method: clinical testing. Allele origin: germline.

Genetic Services Laboratory, University of Chicago
Classification: Likely pathogenic for Coenzyme Q10 deficiency, primary, 4. Last evaluated: 2016-11-15. Review status: criteria provided, single submitter. Criteria: ACMG Guidelines, 2015. Collection method: clinical testing. Allele origin: germline. Affected: yes.

Literature cited by the submitters: PubMed 32337771 (cited by Variantyx, Inc. and Labcorp Genetics (formerly Invitae), Labcorp); PubMed 29915382 (cited by Variantyx, Inc. and Labcorp Genetics (formerly Invitae), Labcorp); PubMed 30637285 (cited by Variantyx, Inc. and Labcorp Genetics (formerly Invitae), Labcorp); PubMed 31890231 (cited by 3 submitters); PubMed 31621627 (cited by Ambry Genetics).